The following is an entry in ClinVar:

ClinVar aggregate classification (germline): Likely pathogenic. Review status: criteria provided, multiple submitters, no conflicts (2 of 4 stars). 3 submissions from 3 submitters: Likely pathogenic (3). Last evaluated 2023-07-10.

Conditions:
Cardiovascular phenotype. Identifiers: MedGen CN230736.
Autosomal recessive limb-girdle muscular dystrophy type 2J (LGMDR10). Also called: Limb-girdle muscular dystrophy, type 2J; MUSCULAR DYSTROPHY, LIMB-GIRDLE, AUTOSOMAL RECESSIVE 10. Identifiers: Orphanet 140922, MedGen C1837342, MONDO:0012127, OMIM 608807.
Dilated cardiomyopathy 1G (CMD1G). Identifiers: Orphanet 154, MedGen C1858763, MONDO:0011400, OMIM 604145.

Submissions (3):

Ambry Genetics
Classification: Likely pathogenic for Cardiovascular phenotype. Last evaluated: 2023-07-10. Review status: criteria provided, single submitter. Criteria: Ambry Variant Classification Scheme 2023. Collection method: clinical testing. Allele origin: germline.
Comment: The p.S24175* variant (also known as c.72524C>G), located in coding exon 182 of the TTN gene, results from a C to G substitution at nucleotide position 72524. This changes the amino acid from a serine to a stop codon within coding exon 182. This exon is located in the A-band region of the N2-B isoform of the titin protein and is constitutively expressed in TTN transcripts (percent spliced in or PSI 100%). This variant is considered to be rare based on population cohorts in the Genome Aggregation Database (gnomAD). This alteration is expected to result in loss of function by premature protein truncation or nonsense-mediated mRNA decay. While truncating variants in TTN are present in 1-3% of the general population, truncating variants in the A-band are the most common cause of dilated cardiomyopathy (DCM) (Herman DS et al. N. Engl. J. Med., 2012 Feb;366:619-28; Roberts AM et al. Sci Transl Med, 2015 Jan;7:270ra6). TTN truncating variants encoded in constitutive exons (PSI >90%) have been found to be significantly associated with DCM regardless of their position in titin (Schafer S et al. Nat. Genet., 2017 01;49:46-53). Based on the majority of available evidence to date, this variant is likely to be pathogenic.

Labcorp Genetics (formerly Invitae), Labcorp
Classification: Likely pathogenic for Dilated cardiomyopathy 1G; Limb-girdle muscular dystrophy, type 2J. Last evaluated: 2019-01-30. Review status: criteria provided, single submitter. Criteria: Invitae Variant Classification Sherloc (09022015). Collection method: clinical testing. Allele origin: germline.
Comment: This sequence change results in a premature translational stop signal in the TTN gene (p.Ser33240*). While this is not anticipated to result in nonsense mediated decay, it is expected to create a truncated TTN protein This variant is not present in population databases (ExAC no frequency). This variant has not been reported in the literature in individuals with TTN-related conditions. ClinVar contains an entry for this variant (Variation ID: 196644). This variant is located in the A band of TTN (PMID: 25589632). Truncating variants in this region are significantly overrepresented in patients affected with dilated cardiomyopathy (PMID: 25589632). Truncating variants in this region have also been reported in individuals affected with autosomal recessive centronuclear myopathy (PMID: 23975875). In summary, the currently available evidence indicates that the variant is pathogenic, but additional data are needed to prove that conclusively. Therefore, this variant has been classified as Likely Pathogenic.

Eurofins Ntd Llc (ga)
Classification: Likely pathogenic. Last evaluated: 2015-02-13. Review status: criteria provided, single submitter. Criteria: EGL Classification Definitions 2015. Collection method: clinical testing. Allele origin: germline. Observed: 1 variant allele, 1 heterozygote.

Literature cited by the submitters: PubMed 23975875 (cited by Labcorp Genetics (formerly Invitae), Labcorp); PubMed 25589632 (cited by Labcorp Genetics (formerly Invitae), Labcorp).

NM_001267550.2(TTN):c.99719C>G (p.Ser33240Ter)

Genes: TTN (titin; minus strand), TTN-AS1 (TTN antisense RNA 1; plus strand), LOC126806420 (BRD4-independent group 4 enhancer GRCh37_chr2:179401104-179402303; plus strand). Cytogenetic location: 2q31.2.
Variant type: single nucleotide variant.
Coding change: c.99719C>G on transcript NM_001267550.2 (MANE Select); coding-DNA position 99719, C replaced by G.
Protein change: p.Ser33240Ter; replaces serine 33240 with a stop codon.
Molecular consequence: nonsense. On other transcripts: non-coding transcript variant (1).
Genome position (GRCh38, 1-based): chr2:178,537,488, G>C on the plus strand (C>G on the coding strand, the complement: TTN is on the minus strand). VCF-style: chr2-178537488-G-C. GRCh37 (hg19) VCF-style: chr2-179402215-G-C.
Other names: c.94796C>G, p.Ser31599Ter (NM_001256850.1); c.72524C>G, p.Ser24175Ter (NM_003319.4); c.92015C>G, p.Ser30672Ter (NM_133378.4); c.72899C>G, p.Ser24300Ter (NM_133432.3); c.73100C>G, p.Ser24367Ter (NM_133437.4); short protein forms S33240*, S30672*, S24367*, S31599*, S24175*, S24300*.
Identifiers: ClinVar variation 196644 (VCV000196644.8), dbSNP rs794727539, ClinGen allele CA275197.